The following is an entry in ClinVar:

ClinVar aggregate classification (germline): Uncertain significance (1 of 4 stars; one submission).

Conditions:
Idiopathic Pulmonary Fibrosis. Also called: Idiopathic fibrosing alveolitis, chronic form; idiopathic fibrosing alveolitis. Identifiers: Orphanet 2032, MedGen C1800706, MeSH D054990, MONDO:0800504.
Dyskeratosis congenita, autosomal dominant 2. Identifiers: MedGen C3151443, MONDO:0013521, OMIM 613989.

Allele frequency attached by ClinVar (database versions not stated): gnomAD 0.00001.
gnomAD v4.1: 1 of 1,550,392 alleles (0.000064%); highest among the groups gnomAD compares: South Asian, 0.0012%; no homozygotes.

Submission:

Labcorp Genetics (formerly Invitae), Labcorp
Classification: Uncertain significance for Dyskeratosis congenita, autosomal dominant 2; Idiopathic Pulmonary Fibrosis. Last evaluated: 2022-08-30. Review status: criteria provided, single submitter. Criteria: Invitae Variant Classification Sherloc (09022015). Collection method: clinical testing. Allele origin: germline.
Comment: In summary, the available evidence is currently insufficient to determine the role of this variant in disease. Therefore, it has been classified as a Variant of Uncertain Significance. Advanced modeling of protein sequence and biophysical properties (such as structural, functional, and spatial information, amino acid conservation, physicochemical variation, residue mobility, and thermodynamic stability) performed at Invitae indicates that this missense variant is expected to disrupt TERT protein function. This variant has not been reported in the literature in individuals affected with TERT-related conditions. This variant is not present in population databases (gnomAD no frequency). This sequence change replaces arginine, which is basic and polar, with glycine, which is neutral and non-polar, at codon 358 of the TERT protein (p.Arg358Gly).

NM_198253.3(TERT):c.1072C>G (p.Arg358Gly)

Gene: TERT (telomerase reverse transcriptase; minus strand). Cytogenetic location: 5p15.33.
Variant type: single nucleotide variant.
Coding change: c.1072C>G on transcript NM_198253.3 (MANE Select); coding-DNA position 1072, C replaced by G.
Protein change: p.Arg358Gly; replaces arginine 358 with glycine.
Molecular consequence: missense variant. On other transcripts: non-coding transcript variant (2).
Genome position (GRCh38, 1-based): chr5:1,293,814, G>C on the plus strand (C>G on the coding strand, the complement: TERT is on the minus strand). VCF-style: chr5-1293814-G-C. GRCh37 (hg19) VCF-style: chr5-1293929-G-C.
Other names: c.1072C>G, p.Arg358Gly (NM_001193376.3, NM_003219.1); short protein forms R358G.
Identifiers: ClinVar variation 1718333 (VCV001718333.6), dbSNP rs1044861406, ClinGen allele CA359055708.